The following is an entry in ClinVar:

ClinVar aggregate classification (germline): Likely benign. Review status: criteria provided, multiple submitters, no conflicts (2 of 4 stars). 2 submissions from 2 submitters: Likely benign (2). Last evaluated 2018-01-12.

Conditions:
Congenital lipoid adrenal hyperplasia due to STAR deficency. Also called: Congenital Lipoid Adrenal Hyperplasia; Cholesterol monooxygenase (side-chain cleaving) deficiency; ADRENAL HYPERPLASIA I; Lipoid adrenal hyperplasia. Identifiers: Orphanet 418, Orphanet 90790, MedGen C0342474, MONDO:0008725, OMIM 201710.

Allele frequency attached by ClinVar (database versions not stated): 1000 Genomes Project 30x 0.00859; 1000 Genomes Project 0.00879; TOPMed 0.02009; gnomAD 0.02436 and 0.02530; gnomAD exomes 0.02737.
gnomAD v4.1: 6,317 of 247,794 alleles (2.5%); highest among the groups gnomAD compares: Non-Finnish European, 3.8%; 128 homozygotes.

Submissions (2):

Illumina Laboratory Services, Illumina
Classification: Likely benign for Congenital lipoid adrenal hyperplasia due to STAR deficency. Last evaluated: 2018-01-12. Review status: criteria provided, single submitter. Criteria: ICSL Variant Classification Criteria 13 December 2019. Collection method: clinical testing. Allele origin: germline.
Comment: This variant was observed in the ICSL laboratory as part of a predisposition screen in an ostensibly healthy population. It had not been previously curated by ICSL or reported in the Human Gene Mutation Database (HGMD: prior to June 1st, 2018), and was therefore a candidate for classification through an automated scoring system. Utilizing variant allele frequency, disease prevalence and penetrance estimates, and inheritance mode, an automated score was calculated to assess if this variant is too frequent to cause the disease. Based on the score and internal cut-off values, a variant classified as likely benign is not then subjected to further curation. The score for this variant resulted in a classification of likely benign for this disease.

Breakthrough Genomics
Classification: Likely benign. Review status: criteria provided, single submitter. Criteria: ACMG Guidelines, 2015. Collection method: not provided. Allele origin: germline. Inheritance: Autosomal recessive inheritance. Affected: yes.

NM_000349.3(STAR):c.*456C>T

Gene: STAR (steroidogenic acute regulatory protein; minus strand). Cytogenetic location: 8p11.23.
Variant type: single nucleotide variant.
Coding change: c.*456C>T on transcript NM_000349.3 (MANE Select); 456 bases downstream of the stop codon, C replaced by T.
Molecular consequence: 3 prime UTR variant.
Genome position (GRCh38, 1-based): chr8:38,143,817, G>A on the plus strand (C>T on the coding strand, the complement: STAR is on the minus strand). VCF-style: chr8-38143817-G-A. GRCh37 (hg19) VCF-style: chr8-38001335-G-A.
Identifiers: ClinVar variation 908428 (VCV000908428.5), dbSNP rs35045158, ClinGen allele CA175090725.